The following is an entry in ClinVar:

NM_024503.5(HIVEP3):c.6042C>T (p.His2014=)

Gene: HIVEP3 (HIVEP zinc finger 3; minus strand). Cytogenetic location: 1p34.2.
Variant type: single nucleotide variant.
Coding change: c.6042C>T on transcript NM_024503.5 (MANE Select); coding-DNA position 6042, C replaced by T.
Protein change: p.His2014=; no amino-acid change (histidine 2014 retained).
Molecular consequence: synonymous variant.
Genome position (GRCh38, 1-based): chr1:41,513,179, G>A on the plus strand (C>T on the coding strand, the complement: HIVEP3 is on the minus strand). VCF-style: chr1-41513179-G-A. GRCh37 (hg19) VCF-style: chr1-41978850-G-A.
Other names: c.6042C>T, p.His2014= (NM_001127714.3); c.6042C>T (NM_024503.4).
Identifiers: ClinVar variation 775538 (VCV000775538.6), dbSNP rs74071561, ClinGen allele CA797306.
Genomic context (GRCh38, chr1:41,513,179, plus strand): 5'-AGACAGCTGAAGTCTTGGAGACCCACAAGGGAGAGCGCCCATGCCCCTTCCTGGGTCCAC[G>A]TGCAGGCCAGGTGGGCTTGGGGCTGAGGCCTGTGGTTCTCGGGCCGGGGAGCATCGCTGG-3'
Protein context (NP_078779.2, residues 2004-2024): QASAPSPPGL[His2014=]VDPGRGMGAL

ClinVar aggregate classification (germline): Benign. Review status: criteria provided, multiple submitters, no conflicts (2 of 4 stars). 3 submissions from 3 submitters: Benign (2). 1 of the submissions does not count toward it. Last evaluated 2017-08-02.

Conditions:
HIVEP3-related disorder. Also called: HIVEP3-related condition.

Allele frequency attached by ClinVar (database versions not stated): gnomAD exomes 0.00653; ExAC 0.00786; gnomAD 0.02673 and 0.02878; 1000 Genomes Project 0.02676; 1000 Genomes Project 30x 0.02858; ESP Exome Variant Server 0.02976; TOPMed 0.03015.
gnomAD v4.1: 7,934 of 1,613,872 alleles (0.49%); highest among the groups gnomAD compares: African/African-American, 9.5%; 353 homozygotes.

Submissions (3):

Labcorp Genetics (formerly Invitae), Labcorp
Classification: Benign. Last evaluated: 2017-08-02. Review status: criteria provided, single submitter. Criteria: Invitae Variant Classification Sherloc (09022015). Collection method: clinical testing. Allele origin: germline.

Breakthrough Genomics
Classification: Benign. Review status: criteria provided, single submitter. Criteria: ACMG Guidelines, 2015. Collection method: not provided. Allele origin: germline. Inheritance: Unknown mechanism. Affected: yes.

PreventionGenetics, part of Exact Sciences
Classification: Benign for HIVEP3-related condition. Last evaluated: 2019-03-23. Review status: no assertion criteria provided. Collection method: clinical testing. Allele origin: germline. Not counted in ClinVar's aggregate classification.
Comment: This variant is classified as benign based on ACMG/AMP sequence variant interpretation guidelines (Richards et al. 2015 PMID: 25741868, with internal and published modifications).